The following is an entry in ClinVar:

NM_001243925.2(MAPKAPK3):c.526T>A (p.Ser176Thr)

Gene: MAPKAPK3 (MAPK activated protein kinase 3; plus strand). Cytogenetic location: 3p21.2.
Variant type: single nucleotide variant.
Coding change: c.526T>A on transcript NM_001243925.2 (MANE Select); coding-DNA position 526, T replaced by A.
Protein change: p.Ser176Thr; replaces serine 176 with threonine.
Molecular consequence: missense variant.
Genome position (GRCh38, 1-based): chr3:50,644,430, T>A. VCF-style: chr3-50644430-T-A. GRCh37 (hg19) VCF-style: chr3-50681861-T-A.
Other names: c.526T>A, p.Ser176Thr (NM_001243926.2, NM_004635.5); short protein forms S176T.
Identifiers: ClinVar variation 1716076 (VCV001716076.5), dbSNP rs2471703696, ClinGen allele CA352930034.

ClinVar aggregate classification (germline): Uncertain significance (1 of 4 stars; one submission).

Submission:

Labcorp Genetics (formerly Invitae), Labcorp
Classification: Uncertain significance. Last evaluated: 2022-08-10. Review status: criteria provided, single submitter. Criteria: Invitae Variant Classification Sherloc (09022015). Collection method: clinical testing. Allele origin: germline.
Comment: In summary, the available evidence is currently insufficient to determine the role of this variant in disease. Therefore, it has been classified as a Variant of Uncertain Significance. Algorithms developed to predict the effect of missense changes on protein structure and function (SIFT, PolyPhen-2, Align-GVGD) all suggest that this variant is likely to be tolerated. This variant has not been reported in the literature in individuals affected with MAPKAPK3-related conditions. This variant is not present in population databases (gnomAD no frequency). This sequence change replaces serine, which is neutral and polar, with threonine, which is neutral and polar, at codon 176 of the MAPKAPK3 protein (p.Ser176Thr).